The following is an entry in ClinVar:

NM_006231.4(POLE):c.989G>C (p.Gly330Ala)

Gene: POLE (DNA polymerase epsilon, catalytic subunit; minus strand). Cytogenetic location: 12q24.33.
Variant type: single nucleotide variant.
Coding change: c.989G>C on transcript NM_006231.4 (MANE Select); coding-DNA position 989, G replaced by C.
Protein change: p.Gly330Ala; replaces glycine 330 with alanine.
Molecular consequence: missense variant.
Genome position (GRCh38, 1-based): chr12:132,676,125, C>G on the plus strand (G>C on the coding strand, the complement: POLE is on the minus strand). VCF-style: chr12-132676125-C-G. GRCh37 (hg19) VCF-style: chr12-133252711-C-G.
Other names: short protein forms G330A.
Identifiers: ClinVar variation 1768522 (VCV001768522.6), dbSNP rs748288210, ClinGen allele CA387363590.

ClinVar aggregate classification (germline): Uncertain significance. Review status: criteria provided, multiple submitters, no conflicts (2 of 4 stars). 2 submissions from 2 submitters: Uncertain significance (2). Last evaluated 2024-05-11.

Conditions:
Hereditary cancer-predisposing syndrome. Also called: Hereditary Cancer Syndrome; Hereditary neoplastic syndrome; Neoplastic Syndromes, Hereditary; Tumor predisposition. Identifiers: Orphanet 140162, MedGen C0027672, MeSH D009386, MONDO:0015356.

Submissions (2):

Ambry Genetics
Classification: Uncertain significance for Hereditary cancer-predisposing syndrome. Last evaluated: 2024-05-11. Review status: criteria provided, single submitter. Criteria: Ambry Variant Classification Scheme 2023. Collection method: clinical testing. Allele origin: germline.
Comment: The p.G330A variant (also known as c.989G>C), located in coding exon 10 of the POLE gene, results from a G to C substitution at nucleotide position 989. The glycine at codon 330 is replaced by alanine, an amino acid with similar properties. This amino acid position is highly conserved in available vertebrate species. In addition, the in silico prediction for this alteration is inconclusive. Since supporting evidence is limited at this time, the clinical significance of this alteration remains unclear.

Labcorp Genetics (formerly Invitae), Labcorp
Classification: Uncertain significance. Last evaluated: 2023-06-17. Review status: criteria provided, single submitter. Criteria: Invitae Variant Classification Sherloc (09022015). Collection method: clinical testing. Allele origin: germline.
Comment: This sequence change replaces glycine, which is neutral and non-polar, with alanine, which is neutral and non-polar, at codon 330 of the POLE protein (p.Gly330Ala). This variant is not present in population databases (gnomAD no frequency). This variant has not been reported in the literature in individuals affected with POLE-related conditions. ClinVar contains an entry for this variant (Variation ID: 1768522). Advanced modeling of protein sequence and biophysical properties (such as structural, functional, and spatial information, amino acid conservation, physicochemical variation, residue mobility, and thermodynamic stability) performed at Invitae indicates that this missense variant is expected to disrupt POLE protein function. In summary, the available evidence is currently insufficient to determine the role of this variant in disease. Therefore, it has been classified as a Variant of Uncertain Significance.